The following is an entry in ClinVar:

ClinVar aggregate classification (germline): Uncertain significance (1 of 4 stars; one submission).

Submission:

Labcorp Genetics (formerly Invitae), Labcorp
Classification: Uncertain significance. Last evaluated: 2025-03-20. Review status: criteria provided, single submitter. Criteria: Invitae Variant Classification Sherloc (09022015). Collection method: clinical testing. Allele origin: germline.
Comment: This variant, c.856_867del, results in the deletion of 4 amino acid(s) of the CDK13 protein (p.Ser286_Pro289del), but otherwise preserves the integrity of the reading frame. This variant is present in population databases (no rsID available, gnomAD 0.01%). This variant has not been reported in the literature in individuals affected with CDK13-related conditions. Experimental studies and prediction algorithms are not available or were not evaluated, and the functional significance of this variant is currently unknown. In summary, the available evidence is currently insufficient to determine the role of this variant in disease. Therefore, it has been classified as a Variant of Uncertain Significance.

NM_003718.5(CDK13):c.856_867del (p.Ser286_Pro289del)

Gene: CDK13 (cyclin dependent kinase 13; plus strand). Cytogenetic location: 7p14.1.
Variant type: Deletion.
Coding change: c.856_867del on transcript NM_003718.5 (MANE Select); coding-DNA positions 856 to 867, 12 bases deleted (TCCAAGGAGCCG).
Protein change: p.Ser286_Pro289del.
Molecular consequence: inframe indel (on NM_031267.4).
Genome position (GRCh38, 1-based): chr7:39,951,497-39,951,508, TCCAAGGAGCCG deleted; deleting any 12 consecutive bases within chr7:39,951,495-39,951,508 gives the same sequence; the c. name uses the placement nearest the transcript's 3' end. VCF-style (leftmost placement, unchanged base first): chr7-39951494-TCGTCCAAGGAGC-T. GRCh37 (hg19) VCF-style: chr7-39991093-TCGTCCAAGGAGC-T.
Other names: c.856_867delTCCAAGGAGCCG, p.Ser286_Pro289del (NM_031267.4).
Identifiers: ClinVar variation 4760235 (VCV004760235.1).